The following is an entry in ClinVar:

ClinVar aggregate classification (germline): Uncertain significance (1 of 4 stars; one submission).

Conditions:
PHIP-related disorder. Also called: PHIP-related condition; PHIP-related disorders.

Submission:

PreventionGenetics, part of Exact Sciences
Classification: Uncertain significance for PHIP-related condition. Last evaluated: 2023-06-16. Review status: criteria provided, single submitter. Criteria: ACMG Guidelines, 2015. Collection method: clinical testing. Allele origin: germline.
Comment: The PHIP c.1103T>G variant is predicted to result in the amino acid substitution p.Val368Gly. To our knowledge, this variant has not been reported in the literature or in a large population database, indicating this variant is rare. At this time, the clinical significance of this variant is uncertain due to the absence of conclusive functional and genetic evidence.

NM_017934.7(PHIP):c.1103T>G (p.Val368Gly)

Gene: PHIP (PHIP subunit of CUL4-Ring ligase complex; minus strand). Cytogenetic location: 6q14.1.
Variant type: single nucleotide variant.
Coding change: c.1103T>G on transcript NM_017934.7 (MANE Select); coding-DNA position 1103, T replaced by G.
Protein change: p.Val368Gly; replaces valine 368 with glycine.
Molecular consequence: missense variant.
Genome position (GRCh38, 1-based): chr6:79,017,379, A>C on the plus strand (T>G on the coding strand, the complement: PHIP is on the minus strand). VCF-style: chr6-79017379-A-C. GRCh37 (hg19) VCF-style: chr6-79727096-A-C.
Other names: short protein forms V368G.
Identifiers: ClinVar variation 2632190 (VCV002632190.1), dbSNP rs2482145071, ClinGen allele CA364635256.